The following is an entry in ClinVar:

ClinVar aggregate classification (germline): Conflicting classifications of pathogenicity. Review status: criteria provided, conflicting classifications (1 of 4 stars). 2 submissions from 2 submitters: Uncertain significance (1); Likely benign (1). Last evaluated 2025-05-23.

Conditions:
Immunodeficiency-centromeric instability-facial anomalies syndrome 4 (ICF4). Identifiers: Orphanet 2268, MedGen C4310798, MONDO:0014829, OMIM 616911.

Allele frequency attached by ClinVar (database versions not stated): gnomAD exomes below 0.00001; ExAC 0.00001; gnomAD 0.00002; TOPMed 0.00004.
gnomAD v4.1: 5 of 1,527,164 alleles (0.00033%); highest among the groups gnomAD compares: African/African-American, 0.007%; no homozygotes.

Submissions (2):

ARUP Laboratories, Molecular Genetics and Genomics, ARUP Laboratories
Classification: Uncertain significance for Immunodeficiency-centromeric instability-facial anomalies syndrome 4. Last evaluated: 2025-05-23. Review status: criteria provided, single submitter. Criteria: ARUP Molecular Germline Variant Investigation Process 2024. Collection method: clinical testing. Allele origin: germline.
Comment: The HELLS c.1035T>C; p.His345His variant (rs773771433), to our knowledge, is not reported in the medical literature but is reported in ClinVar (Variation ID: 2969713). This variant is found in the African/African-American population with an allele frequency of 0.01% (3/24,016 alleles) in the Genome Aggregation Database (v2.1.1). This is a synonymous variant and computational analyses (Alamut Visual Plus v.1.12) predict that this variant does not alter splicing. However, since this variant is located within the minimal splice region, the clinical significance of this variant is uncertain at this time.

Labcorp Genetics (formerly Invitae), Labcorp
Classification: Likely benign. Last evaluated: 2024-01-20. Review status: criteria provided, single submitter. Criteria: Invitae Variant Classification Sherloc (09022015). Collection method: clinical testing. Allele origin: germline.

NM_018063.5(HELLS):c.1035T>C (p.His345=)

Gene: HELLS (helicase, lymphoid specific; plus strand). Cytogenetic location: 10q23.33.
Variant type: single nucleotide variant.
Coding change: c.1035T>C on transcript NM_018063.5 (MANE Select); coding-DNA position 1035, T replaced by C.
Protein change: p.His345=; no amino-acid change (histidine 345 retained).
Molecular consequence: synonymous variant. On other transcripts: 5 prime UTR variant (1), intron variant (3).
Genome position (GRCh38, 1-based): chr10:94,581,328, T>C. VCF-style: chr10-94581328-T-C. GRCh37 (hg19) VCF-style: chr10-96341085-T-C.
Other names: c.1035T>C, p.His345= (NM_001289067.2); c.987T>C, p.His329= (NM_001289068.2); c.939T>C, p.His313= (NM_001289069.2); c.663T>C, p.His221= (NM_001289071.2); c.621T>C, p.His207= (NM_001289073.2); c.-49T>C (NM_001289074.2); c.12-1635T>C (NM_001289075.2); c.1032+4523T>C (NM_001289070.2); and 1 more.
Identifiers: ClinVar variation 2969713 (VCV002969713.4), dbSNP rs773771433, ClinGen allele CA5615423.